The following is an entry in ClinVar:

NM_001349338.3(FOXP1):c.1802C>T (p.Ala601Val)

Gene: FOXP1 (forkhead box P1; minus strand). Cytogenetic location: 3p13.
Variant type: single nucleotide variant.
Coding change: c.1802C>T on transcript NM_001349338.3 (MANE Select); coding-DNA position 1802, C replaced by T.
Protein change: p.Ala601Val; replaces alanine 601 with valine.
Molecular consequence: missense variant. On other transcripts: non-coding transcript variant (2).
Genome position (GRCh38, 1-based): chr3:70,965,977, G>A on the plus strand (C>T on the coding strand, the complement: FOXP1 is on the minus strand). VCF-style: chr3-70965977-G-A. GRCh37 (hg19) VCF-style: chr3-71015128-G-A.
Other names: c.1799C>T, p.Ala600Val (NM_001244808.3, NM_001349341.3); c.1850C>T, p.Ala617Val (NM_001244810.2); c.1574C>T, p.Ala525Val (NM_001244812.3); c.1502C>T, p.Ala501Val (NM_001244813.3, NM_001244815.2, NM_001349342.3); c.1802C>T, p.Ala601Val (NM_001244814.3, NM_001244816.2, NM_001349340.3 and 1 more transcripts); c.1499C>T, p.Ala500Val (NM_001349337.2, NM_001349343.3, NM_001349344.3 and 1 more transcripts); short protein forms A500V, A501V, A525V, A600V, A601V, A617V.
Identifiers: ClinVar variation 1720953 (VCV001720953.5), dbSNP rs2544929661, ClinGen allele CA353489628.

ClinVar aggregate classification (germline): Uncertain significance (1 of 4 stars; one submission).

Submission:

Labcorp Genetics (formerly Invitae), Labcorp
Classification: Uncertain significance. Last evaluated: 2022-10-11. Review status: criteria provided, single submitter. Criteria: Invitae Variant Classification Sherloc (09022015). Collection method: clinical testing. Allele origin: germline.
Comment: In summary, the available evidence is currently insufficient to determine the role of this variant in disease. Therefore, it has been classified as a Variant of Uncertain Significance. Advanced modeling of protein sequence and biophysical properties (such as structural, functional, and spatial information, amino acid conservation, physicochemical variation, residue mobility, and thermodynamic stability) performed at Invitae indicates that this missense variant is not expected to disrupt FOXP1 protein function. This variant has not been reported in the literature in individuals affected with FOXP1-related conditions. This variant is not present in population databases (gnomAD no frequency). This sequence change replaces alanine, which is neutral and non-polar, with valine, which is neutral and non-polar, at codon 601 of the FOXP1 protein (p.Ala601Val).